The following is an entry in ClinVar:

ClinVar aggregate classification (germline): Likely pathogenic (1 of 4 stars; one submission).

Allele frequency attached by ClinVar (database versions not stated): TOPMed below 0.00001.
gnomAD v4.1: 17 of 1,608,518 alleles (0.0011%); highest among the groups gnomAD compares: East Asian, 0.034%; no homozygotes.

Submission:

GeneDx
Classification: Likely pathogenic. Last evaluated: 2023-09-06. Review status: criteria provided, single submitter. Criteria: GeneDx Variant Classification Process June 2021. Collection method: clinical testing. Allele origin: germline. Affected: yes.
Comment: Not observed at significant frequency in large population cohorts (gnomAD); In silico analysis supports that this missense variant has a deleterious effect on protein structure/function; This variant is associated with the following publications: (PMID: 32020600)

NM_033109.5(PNPT1):c.1520C>G (p.Ala507Gly)

Gene: PNPT1 (polyribonucleotide nucleotidyltransferase 1; minus strand). Cytogenetic location: 2p16.1.
Variant type: single nucleotide variant.
Coding change: c.1520C>G on transcript NM_033109.5 (MANE Select); coding-DNA position 1520, C replaced by G.
Protein change: p.Ala507Gly; replaces alanine 507 with glycine.
Molecular consequence: missense variant.
Genome position (GRCh38, 1-based): chr2:55,647,429, G>C on the plus strand (C>G on the coding strand, the complement: PNPT1 is on the minus strand). VCF-style: chr2-55647429-G-C. GRCh37 (hg19) VCF-style: chr2-55874564-G-C.
Other names: short protein forms A507G.
Identifiers: ClinVar variation 3252514 (VCV003252514.1), dbSNP rs1023469259.